The following is an entry in ClinVar:

ClinVar aggregate classification (germline): Pathogenic/Likely pathogenic. Review status: criteria provided, multiple submitters, no conflicts (2 of 4 stars). 2 submissions from 2 submitters: Pathogenic (1); Likely pathogenic (1). Last evaluated 2023-04-04.

Conditions:
Bardet-Biedl syndrome (BBS). Identifiers: Orphanet 110, MedGen C0752166, MONDO:0015229.
BBS9-related disorder. Also called: BBS9-related condition.

gnomAD v4.1: 12 of 1,612,700 alleles (0.00074%); highest among the groups gnomAD compares: Non-Finnish European, 0.001%; no homozygotes.

Submissions (2):

Blueprint Genetics
Classification: Likely pathogenic for BBS9-related disorders. Last evaluated: 2023-04-04. Review status: criteria provided, single submitter. Criteria: ACMG Guidelines, 2015. Collection method: clinical testing. Allele origin: germline. Affected: yes. Observed: 1 variant allele.

Labcorp Genetics (formerly Invitae), Labcorp
Classification: Pathogenic for Bardet-Biedl syndrome. Last evaluated: 2023-03-17. Review status: criteria provided, single submitter. Criteria: Invitae Variant Classification Sherloc (09022015). Collection method: clinical testing. Allele origin: germline.
Comment: For these reasons, this variant has been classified as Pathogenic. This variant has not been reported in the literature in individuals affected with BBS9-related conditions. This variant is present in population databases (no rsID available, gnomAD 0.0009%). This sequence change creates a premature translational stop signal (p.Lys542*) in the BBS9 gene. It is expected to result in an absent or disrupted protein product. Loss-of-function variants in BBS9 are known to be pathogenic (PMID: 16380913, 20177705).

Literature cited by the submitters: PubMed 16380913 (cited by Labcorp Genetics (formerly Invitae), Labcorp); PubMed 20177705 (cited by Labcorp Genetics (formerly Invitae), Labcorp).

NM_198428.3(BBS9):c.1624A>T (p.Lys542Ter)

Gene: BBS9 (Bardet-Biedl syndrome 9; plus strand). Cytogenetic location: 7p14.3.
Variant type: single nucleotide variant.
Coding change: c.1624A>T on transcript NM_198428.3 (MANE Select); coding-DNA position 1624, A replaced by T.
Protein change: p.Lys542Ter; replaces lysine 542 with a stop codon.
Molecular consequence: nonsense. On other transcripts: non-coding transcript variant (3).
Genome position (GRCh38, 1-based): chr7:33,357,926, A>T. VCF-style: chr7-33357926-A-T. GRCh37 (hg19) VCF-style: chr7-33397538-A-T.
Other names: c.1519A>T, p.Lys507Ter (NM_001033604.2); c.1609A>T, p.Lys537Ter (NM_001033605.2); c.1624A>T, p.Lys542Ter (NM_001348036.1, NM_001348041.4, NM_001348043.3 and 3 more transcripts); c.1258A>T, p.Lys420Ter (NM_001348037.3, NM_001348045.3, NM_001348046.3); c.1351A>T, p.Lys451Ter (NM_001348038.3); c.1246A>T, p.Lys416Ter (NM_001348039.3); c.1504A>T, p.Lys502Ter (NM_001348040.3, NM_014451.4); c.1489A>T, p.Lys497Ter (NM_001348042.3); and 1 more; short protein forms K416*, K507*, K451*, K385*, K537*, K542*, K420*, K497*.
Identifiers: ClinVar variation 2874922 (VCV002874922.4), dbSNP rs1417640176, ClinGen allele CA367252177.